The following is an entry in ClinVar:

NC_000006.11:g.(?_65707465)_(65767630_?)dup

Gene: EYS (eyes shut homolog; minus strand). Cytogenetic location: 6q12.
Variant type: Duplication.
Identifiers: ClinVar variation 2423852 (VCV002423852.3).

ClinVar aggregate classification (germline): Likely pathogenic (1 of 4 stars; one submission).

Submission:

Labcorp Genetics (formerly Invitae), Labcorp
Classification: Likely pathogenic. Last evaluated: 2022-05-31. Review status: criteria provided, single submitter. Criteria: Invitae Variant Classification Sherloc (09022015). Collection method: clinical testing. Allele origin: germline.
Comment: In summary, the currently available evidence indicates that the variant is pathogenic, but additional data are needed to prove that conclusively. Therefore, this variant has been classified as Likely Pathogenic. This variant has not been reported in the literature in individuals affected with EYS-related conditions. This variant results in a copy number gain of the genomic region encompassing exon(s) 13-14 of the EYS gene. While the exact position of this variant cannot be determined from the data, sub-genic copy number gains are generally in tandem (PMID: 25640679). This variant is predicted to be out-of-frame, and may result in an absent or disrupted protein product. Loss-of-function variants in EYS are known to be pathogenic (PMID: 18836446, 20333770).

Literature cited by the submitters: PubMed 25640679; PubMed 18836446; PubMed 20333770.